The following is an entry in ClinVar:

NM_020738.4(KIDINS220):c.670A>G (p.Lys224Glu)

Gene: KIDINS220 (kinase D interacting substrate 220; minus strand). Cytogenetic location: 2p25.1.
Variant type: single nucleotide variant.
Coding change: c.670A>G on transcript NM_020738.4 (MANE Select); coding-DNA position 670, A replaced by G.
Protein change: p.Lys224Glu; replaces lysine 224 with glutamic acid.
Molecular consequence: missense variant. On other transcripts: non-coding transcript variant (2).
Genome position (GRCh38, 1-based): chr2:8,803,061, T>C on the plus strand (A>G on the coding strand, the complement: KIDINS220 is on the minus strand). VCF-style: chr2-8803061-T-C. GRCh37 (hg19) VCF-style: chr2-8943191-T-C.
Other names: c.673A>G, p.Lys225Glu (NM_001348729.2, NM_001348731.2, NM_001348734.2 and 3 more transcripts); c.670A>G, p.Lys224Glu (NM_001348732.2, NM_001348735.2, NM_001348738.2 and 3 more transcripts); c.544A>G, p.Lys182Glu (NM_001348736.2); short protein forms K182E, K224E, K225E.
Identifiers: ClinVar variation 1428704 (VCV001428704.6), dbSNP rs760846299, ClinGen allele CA1520368.

ClinVar aggregate classification (germline): Uncertain significance (1 of 4 stars; one submission).

Allele frequency attached by ClinVar (database versions not stated): gnomAD exomes below 0.00001 and 0.00001; ExAC 0.00001.
gnomAD v4.1: 2 of 1,613,310 alleles (0.00012%); highest among the groups gnomAD compares: Admixed American, 0.0033%; no homozygotes.

Submission:

Labcorp Genetics (formerly Invitae), Labcorp
Classification: Uncertain significance. Last evaluated: 2023-02-10. Review status: criteria provided, single submitter. Criteria: Invitae Variant Classification Sherloc (09022015). Collection method: clinical testing. Allele origin: germline.
Comment: ClinVar contains an entry for this variant (Variation ID: 1428704). This variant has not been reported in the literature in individuals affected with KIDINS220-related conditions. This variant is present in population databases (rs760846299, gnomAD 0.006%). This sequence change replaces lysine, which is basic and polar, with glutamic acid, which is acidic and polar, at codon 224 of the KIDINS220 protein (p.Lys224Glu). Algorithms developed to predict the effect of missense changes on protein structure and function are either unavailable or do not agree on the potential impact of this missense change (SIFT: "Tolerated"; PolyPhen-2: "Probably Damaging"; Align-GVGD: "Class C0"). In summary, the available evidence is currently insufficient to determine the role of this variant in disease. Therefore, it has been classified as a Variant of Uncertain Significance.